The following is an entry in ClinVar:

ClinVar aggregate classification (germline): Uncertain significance (1 of 4 stars; one submission).

Conditions:
MEGF8-related Carpenter syndrome. Also called: Carpenter syndrome 2. Identifiers: Orphanet 65759, MedGen C3554247, MONDO:0013998, OMIM 614976.

Allele frequency attached by ClinVar (database versions not stated): TOPMed below 0.00001.

Submission:

Labcorp Genetics (formerly Invitae), Labcorp
Classification: Uncertain significance for MEGF8-related Carpenter syndrome. Last evaluated: 2021-12-02. Review status: criteria provided, single submitter. Criteria: Invitae Variant Classification Sherloc (09022015). Collection method: clinical testing. Allele origin: germline.
Comment: This sequence change replaces methionine, which is neutral and non-polar, with isoleucine, which is neutral and non-polar, at codon 1662 of the MEGF8 protein (p.Met1662Ile). This variant is not present in population databases (gnomAD no frequency). This variant has not been reported in the literature in individuals affected with MEGF8-related conditions. ClinVar contains an entry for this variant (Variation ID: 937232). Algorithms developed to predict the effect of missense changes on protein structure and function (SIFT, PolyPhen-2, Align-GVGD) all suggest that this variant is likely to be tolerated. In summary, the available evidence is currently insufficient to determine the role of this variant in disease. Therefore, it has been classified as a Variant of Uncertain Significance.

NM_001271938.2(MEGF8):c.5187G>T (p.Met1729Ile)

Gene: MEGF8 (multiple EGF like domains 8; plus strand). Cytogenetic location: 19q13.2.
Variant type: single nucleotide variant.
Coding change: c.5187G>T on transcript NM_001271938.2 (MANE Select); coding-DNA position 5187, G replaced by T.
Protein change: p.Met1729Ile; replaces methionine 1729 with isoleucine.
Molecular consequence: missense variant.
Genome position (GRCh38, 1-based): chr19:42,358,798, G>T. VCF-style: chr19-42358798-G-T. GRCh37 (hg19) VCF-style: chr19-42862950-G-T.
Other names: c.4986G>T, p.Met1662Ile (NM_001410.3); short protein forms M1662I, M1729I.
Identifiers: ClinVar variation 937232 (VCV000937232.7), dbSNP rs761809949, ClinGen allele CA406123149.
Genomic context (GRCh38, chr19:42,358,798, plus strand): 5'-GCAAGAGACTCGAGGAGCCTCAACCCCAGGACGCCCCCACTGTCACTAGCGAGATCGTAT[G>T]AGGAATGTGCGTGGCTCATCTCGGGGTCTGGGCCAAGTTCCTGGGGAGCAGCCTGGGTCA-3'
Protein context (NP_001258867.1, residues 1719-1739): APSQGAKRDR[Met1729Ile]RNVRGSSRGL